The following is an entry in ClinVar:

NM_000089.4(COL1A2):c.3106-16T>C

Gene: COL1A2 (collagen type I alpha 2 chain; plus strand). Cytogenetic location: 7q21.3.
Variant type: single nucleotide variant.
Coding change: c.3106-16T>C on transcript NM_000089.4 (MANE Select); 16 bases into the intron before coding-DNA position 3106, T replaced by C.
Molecular consequence: intron variant.
Genome position (GRCh38, 1-based): chr7:94,426,992, T>C. VCF-style: chr7-94426992-T-C. GRCh37 (hg19) VCF-style: chr7-94056304-T-C.
Identifiers: ClinVar variation 2020439 (VCV002020439.5), dbSNP rs2484737255, ClinGen allele CA2580077866.

ClinVar aggregate classification (germline): Uncertain significance. Review status: criteria provided, multiple submitters, no conflicts (2 of 4 stars). 2 submissions from 2 submitters: Uncertain significance (2). Last evaluated 2025-11-11.

Conditions:
COL1A2-related disorder. Also called: COL1A2-related condition; COL1A2-Related Disorders.
Osteogenesis imperfecta type I (OI1). Also called: OI, TYPE I; OSTEOGENESIS IMPERFECTA TARDA; OSTEOGENESIS IMPERFECTA WITH BLUE SCLERAE; Osteogenesis imperfecta type 1; Lobstein's Disease; Lobstein disease. Identifiers: Orphanet 216796, Orphanet 666, MedGen C0023931, MONDO:0008146, OMIM 166200. Disease mechanism: loss of function.
Ehlers-Danlos syndrome, classic type, 1 (EDSCL1). Also called: Ehlers-Danlos Syndrome, Classic Type, COL5A1-Related; EHLERS-DANLOS SYNDROME, GRAVIS TYPE; EHLERS-DANLOS SYNDROME, SEVERE CLASSIC TYPE; Ehlers-Danlos syndrome, type 1; EDS I. Identifiers: MedGen C0268335, MONDO:0019567, OMIM 130000.

Submissions (2):

Labcorp Genetics (formerly Invitae), Labcorp
Classification: Uncertain significance for Osteogenesis imperfecta type I; Ehlers-Danlos syndrome, classic type, 1. Last evaluated: 2025-11-11. Review status: criteria provided, single submitter. Criteria: Invitae Variant Classification Sherloc (09022015). Collection method: clinical testing. Allele origin: germline.
Comment: This sequence change falls in intron 46 of the COL1A2 gene. It does not directly change the encoded amino acid sequence of the COL1A2 protein. This variant is not present in population databases (gnomAD no frequency). This variant has been observed in individual(s) with clinical features of autosomal dominant Ehlers-Danlos syndrome (external communication, internal data). It has also been observed to segregate with disease in related individuals. Algorithms developed to predict the effect of sequence changes on RNA splicing suggest that this variant is not likely to affect RNA splicing. In summary, the available evidence is currently insufficient to determine the role of this variant in disease. Therefore, it has been classified as a Variant of Uncertain Significance.

Greenwood Genetic Center Diagnostic Laboratories, Greenwood Genetic Center
Classification: Uncertain significance for COL1A2-related disorder. Last evaluated: 2025-09-02. Review status: criteria provided, single submitter. Criteria: ACMG Guidelines, 2015. Collection method: clinical testing. Allele origin: germline. Affected: yes.
Comment: PM2, BP4